The following is an entry in ClinVar:

NM_000090.4(COL3A1):c.3093+4T>C

Gene: COL3A1 (collagen type III alpha 1 chain; plus strand). Cytogenetic location: 2q32.2.
Variant type: single nucleotide variant.
Coding change: c.3093+4T>C on transcript NM_000090.4 (MANE Select); 4 bases into the intron after coding-DNA position 3093, T replaced by C.
Molecular consequence: intron variant.
Genome position (GRCh38, 1-based): chr2:189,006,263, T>C. VCF-style: chr2-189006263-T-C. GRCh37 (hg19) VCF-style: chr2-189870989-T-C.
Identifiers: ClinVar variation 3072895 (VCV003072895.1), dbSNP rs2469157876, ClinGen allele CA2662310506.

ClinVar aggregate classification (germline): Uncertain significance (1 of 4 stars; one submission).

Conditions:
Ehlers-Danlos syndrome, type 4 (EDSVASC). Also called: Ehlers-Danlos Syndrome Type IV; Ehlers-Danlos syndrome vascular type; Ehlers Danlos syndrome, ecchymotic type; Ehlers Danlos syndrome, arterial type; Ehlers Danlos syndrome, Sack-Barabas type. Identifiers: Orphanet 286, MedGen C0268338, MONDO:0017314, OMIM 130050.

Allele frequency attached by ClinVar (database versions not stated): gnomAD exomes 0.00001.
gnomAD v4.1: 8 of 1,614,182 alleles (0.0005%); highest among the groups gnomAD compares: Non-Finnish European, 0.00059%; no homozygotes.

Submission:

All of Us Research Program, National Institutes of Health
Classification: Uncertain significance for Ehlers-Danlos syndrome, type 4. Last evaluated: 2023-08-15. Review status: criteria provided, single submitter. Criteria: ACMG Guidelines, 2015. Collection method: clinical testing. Allele origin: germline. Inheritance: Autosomal dominant inheritance. Observed: 1 variant allele, 1 heterozygote.
Comment: This variant causes a T to C nucleotide substitution at the +4 position of intron 42 of the COL3A1 gene. To our knowledge, functional studies have not been reported for this variant. This variant has not been reported in individuals affected with COL3A1-related disorders in the literature. This variant has not been identified in the general population by the Genome Aggregation Database (gnomAD). The available evidence is insufficient to determine the role of this variant in disease conclusively. Therefore, this variant is classified as a Variant of Uncertain Significance.

This study involves interpretation of variants in research participants for the purpose of population health screening. Participant phenotype was not available at the time of variant classification. Additional details can be found in publication PMID: 35346344, PMCID: PMC8962531